The following is an entry in ClinVar:

NM_001356.5(DDX3X):c.1703C>T (p.Pro568Leu)

Gene: DDX3X (DEAD-box helicase 3 X-linked; plus strand). Cytogenetic location: Xp11.4.
Variant type: single nucleotide variant.
Coding change: c.1703C>T on transcript NM_001356.5 (MANE Select); coding-DNA position 1703, C replaced by T.
Protein change: p.Pro568Leu; replaces proline 568 with leucine.
Molecular consequence: missense variant. On other transcripts: non-coding transcript variant (1).
Genome position (GRCh38, 1-based): chrX:41,346,946, C>T. VCF-style: chrX-41346946-C-T. GRCh37 (hg19) VCF-style: chrX-41206199-C-T.
Other names: c.1703C>T, p.Pro568Leu (NM_001193416.3); c.1655C>T, p.Pro552Leu (NM_001193417.3); c.1145C>T, p.Pro382Leu (NM_001363819.1); short protein forms P568L, P382L, P552L.
Identifiers: ClinVar variation 375367 (VCV000375367.53), dbSNP rs1057519430, ClinGen allele CA16044243.

ClinVar aggregate classification (germline): Pathogenic. Review status: criteria provided, multiple submitters, no conflicts (2 of 4 stars). 7 submissions from 7 submitters: Pathogenic (5). 2 of the submissions do not count toward it. Last evaluated 2026-07-28.

Conditions:
Intellectual disability, X-linked 102 (MRXSSB). Also called: Intellectual developmental disorder, X-linked syndromic, Snijders Blok type. Identifiers: Orphanet 457260, MedGen C5393299, MONDO:0010497, OMIM 300958.
Inborn genetic diseases. Identifiers: MedGen C0950123, MeSH D030342.
Fetal anomalies with a likely genetic cause.
EBV-positive nodal T- and NK-cell lymphoma.

Submissions (7):

Genetics Laboratory, Great Ormond Street Hospital NHS Foundation Trust, North Thames Genomic Laboratory Hub
Classification: Pathogenic for Fetal anomalies with a likely genetic cause. Last evaluated: 2026-07-28. Review status: criteria provided, single submitter. Criteria: ACGS Best Practice Guidelines for Variant Classification in Rare Disease 2024 v1.2. Collection method: clinical testing. Allele origin: germline. Affected: yes.
Comment: PS4_moderate, PM2_moderate, PM5_supporting, PS2_very-strong

Labcorp Genetics (formerly Invitae), Labcorp
Classification: Pathogenic. Last evaluated: 2025-09-11. Review status: criteria provided, single submitter. Criteria: Invitae Variant Classification Sherloc (09022015). Collection method: clinical testing. Allele origin: germline.
Comment: This sequence change replaces proline, which is neutral and non-polar, with leucine, which is neutral and non-polar, at codon 568 of the DDX3X protein (p.Pro568Leu). This variant is not present in population databases (gnomAD no frequency). This missense change has been observed in individual(s) with clinical features of DDX3X-related intellectual disability syndrome (PMID: 26235985, 28371085; internal data). In at least one individual the variant was observed to be de novo. ClinVar contains an entry for this variant (Variation ID: 375367). Algorithms developed to predict the effect of variants on gene product structure and function are not available or were not evaluated for this variant. Experimental studies have shown that this missense change affects DDX3X function (PMID: 32135084). For these reasons, this variant has been classified as Pathogenic.

Baylor Genetics
Classification: Pathogenic for Intellectual disability, X-linked 102. Last evaluated: 2023-04-13. Review status: criteria provided, single submitter. Criteria: ACMG Guidelines, 2015. Collection method: clinical testing. Allele origin: unknown.

Ambry Genetics
Classification: Pathogenic for Inborn genetic diseases. Last evaluated: 2017-07-28. Review status: criteria provided, single submitter. Criteria: Ambry exome assertion method (8-5-2015). Collection method: clinical testing. Allele origin: germline. Affected: yes. Observed: 1 variant allele.

CeGaT Center for Human Genetics Tuebingen
Classification: Pathogenic. Last evaluated: 2017-03-01. Review status: criteria provided, single submitter. Criteria: CeGaT Center For Human Genetics Tuebingen Variant Classification Criteria Version 2. Collection method: clinical testing. Allele origin: germline. Affected: yes. Observed: 1 variant allele.

Department of Clinical Pathology, School of Medicine, Fujita Health University
Classification: Pathogenic for EBV-positive nodal T- and NK-cell lymphoma. Review status: no assertion criteria provided. Collection method: research. Allele origin: unknown. Affected: yes. Not counted in ClinVar's aggregate classification.

Lupski Lab, Baylor-Hopkins CMG, Baylor College of Medicine
Classification: Pathogenic for Intellectual disability, X-linked 102. Review status: no assertion criteria provided. Collection method: research. Allele origin: de novo. Inheritance: Autosomal dominant inheritance. Affected: yes. Not counted in ClinVar's aggregate classification.

Literature cited by the submitters: PubMed 26235985 (cited by Labcorp Genetics (formerly Invitae), Labcorp and Ambry Genetics); PubMed 28371085 (cited by Labcorp Genetics (formerly Invitae), Labcorp and Ambry Genetics); PubMed 32135084 (cited by Labcorp Genetics (formerly Invitae), Labcorp).